The following is an entry in ClinVar:

ClinVar aggregate classification (germline): Benign/Likely benign. Review status: criteria provided, multiple submitters, no conflicts (2 of 4 stars). 3 submissions from 3 submitters: Benign (1); Likely benign (2). Last evaluated 2026-01-05.

Conditions:
Hereditary nonpolyposis colorectal neoplasms. Identifiers: MedGen C0009405, MeSH D003123.
Hereditary cancer-predisposing syndrome. Also called: Tumor predisposition; Hereditary neoplastic syndrome; Hereditary Cancer Syndrome; Neoplastic Syndromes, Hereditary. Identifiers: Orphanet 140162, MedGen C0027672, MeSH D009386, MONDO:0015356.
Lynch syndrome 4 (LYNCH4). Also called: Colorectal cancer, hereditary nonpolyposis, type 4; Hereditary non-polyposis colorectal cancer, type 4. Identifiers: Orphanet 144, MedGen C1838333, MONDO:0013699, OMIM 614337. Disease mechanism: loss of function.

Allele frequency attached by ClinVar (database versions not stated): gnomAD exomes below 0.00001.
gnomAD v4.1: 1 of 1,611,784 alleles (0.000062%); highest among the groups gnomAD compares: Non-Finnish European, 0.000085%; no homozygotes.

Submissions (3):

Labcorp Genetics (formerly Invitae), Labcorp
Classification: Likely benign for Hereditary nonpolyposis colorectal neoplasms. Last evaluated: 2026-01-05. Review status: criteria provided, single submitter. Criteria: Invitae Variant Classification Sherloc (09022015). Collection method: clinical testing. Allele origin: germline.

Myriad Genetics, Inc.
Classification: Benign for Lynch syndrome 4. Last evaluated: 2025-01-24. Review status: criteria provided, single submitter. Criteria: Myriad Autosomal Dominant, Autosomal Recessive and X-Linked Classification Criteria (2023). Collection method: clinical testing. Allele origin: unknown.
Comment: This variant is considered benign. This variant is a silent/synonymous amino acid change and it is not expected to impact splicing.

Ambry Genetics
Classification: Likely benign for Hereditary cancer-predisposing syndrome. Last evaluated: 2022-09-20. Review status: criteria provided, single submitter. Criteria: Ambry Variant Classification Scheme 2023. Collection method: clinical testing. Allele origin: germline.

NM_000535.7(PMS2):c.423G>C (p.Gly141=)

Gene: PMS2 (PMS1 homolog 2, mismatch repair system component; minus strand). Cytogenetic location: 7p22.1.
Variant type: single nucleotide variant.
Coding change: c.423G>C on transcript NM_000535.7 (MANE Select); coding-DNA position 423, G replaced by C.
Protein change: p.Gly141=; no amino-acid change (glycine 141 retained).
Molecular consequence: synonymous variant. On other transcripts: 5 prime UTR variant (2), non-coding transcript variant (1).
Genome position (GRCh38, 1-based): chr7:6,002,567, C>G on the plus strand (G>C on the coding strand, the complement: PMS2 is on the minus strand). VCF-style: chr7-6002567-C-G. GRCh37 (hg19) VCF-style: chr7-6042198-C-G.
Other names: c.18G>C, p.Gly6= (NM_001322003.2, NM_001322004.2, NM_001322005.2 and 3 more transcripts); c.423G>C, p.Gly141= (NM_001322006.2, NM_001322014.2); c.105G>C, p.Gly35= (NM_001322007.2, NM_001322008.2); c.-462G>C (NM_001322011.2, NM_001322012.2); c.114G>C, p.Gly38= (NM_001322015.2).
Identifiers: ClinVar variation 793732 (VCV000793732.10), dbSNP rs1583403657, ClinGen allele CA453647668.